The following is an entry in ClinVar:

ClinVar aggregate classification (germline): Benign (1 of 4 stars; one submission).

Allele frequency attached by ClinVar (database versions not stated): 1000 Genomes Project 0.03454; TOPMed 0.03736; 1000 Genomes Project 30x 0.03779.
gnomAD v4.1: 4,967 of 152,218 alleles (3.3%); highest among the groups gnomAD compares: African/African-American, 11%; 246 homozygotes.

Submission:

GeneDx
Classification: Benign. Last evaluated: 2018-06-19. Review status: criteria provided, single submitter. Criteria: GeneDx Variant Classification (06012015). Collection method: clinical testing. Allele origin: germline. Affected: yes.
Comment: This variant is considered likely benign or benign based on one or more of the following criteria: it is a conservative change, it occurs at a poorly conserved position in the protein, it is predicted to be benign by multiple in silico algorithms, and/or has population frequency not consistent with disease.

NM_000069.3(CACNA1S):c.3526-232C>T

Gene: CACNA1S (calcium voltage-gated channel subunit alpha1 S; minus strand). Cytogenetic location: 1q32.1.
Variant type: single nucleotide variant.
Coding change: c.3526-232C>T on transcript NM_000069.3 (MANE Select); 232 bases into the intron before coding-DNA position 3526, C replaced by T.
Molecular consequence: intron variant.
Genome position (GRCh38, 1-based): chr1:201,058,723, G>A on the plus strand (C>T on the coding strand, the complement: CACNA1S is on the minus strand). VCF-style: chr1-201058723-G-A. GRCh37 (hg19) VCF-style: chr1-201027851-G-A.
Identifiers: ClinVar variation 677515 (VCV000677515.1), dbSNP rs58124792, ClinGen allele CA36005502.